The following is an entry in ClinVar:

ClinVar aggregate classification (germline): Likely pathogenic (1 of 4 stars; one submission).

Conditions:
Niemann-Pick disease, type C (NPC). Identifiers: Orphanet 646, MedGen C0220756, MONDO:0018982.

Submission:

Women's Health and Genetics/Laboratory Corporation of America, LabCorp
Classification: Likely pathogenic for Niemann-Pick disease, type C. Last evaluated: 2021-12-20. Review status: criteria provided, single submitter. Criteria: LabCorp Variant Classification Summary - May 2015. Collection method: clinical testing. Allele origin: germline.
Comment: Variant summary: The variant identified by MLPA or other technology involves the duplication of exons 5-9 in the NPC1 gene. A presumed nomenclature of c.(463+1_464-1)_(1553+1_1554-1)dup has been designated for the purposes of this classification. It has been assumed that this is a tandem duplication in direct orientation (Richardson_GIM_2018, Newman_AJHG_2015). Although exact breakpoints of this duplication are not known, it is expected to result in a frameshift change in the NPC1 gene. The variant was absent in 21694 control chromosomes (gnomAD structural variants dataset). The available data on variant occurrences in the general population are insufficient to allow any conclusion about variant significance. To our knowledge, no occurrence of c.(463+1_464-1)_(1553+1_1554-1)dup in individuals affected with Niemann-Pick Disease Type C and no experimental evidence demonstrating its impact on protein function have been reported. No clinical diagnostic laboratories have submitted clinical-significance assessments for this variant to ClinVar after 2014. Based on the evidence outlined above, the variant was classified as likely pathogenic.

NC_000018.9:g.(21131692_21134721)_(21141492_21148786)dup

Gene: NPC1 (NPC intracellular cholesterol transporter 1; minus strand). Cytogenetic location: 18q11.2.
Variant type: Duplication.
Identifiers: ClinVar variation 1331460 (VCV001331460.1).